The following is an entry in ClinVar:

NM_024741.3(ZNF408):c.1907G>C (p.Ser636Thr)

Gene: ZNF408 (zinc finger protein 408; plus strand). Cytogenetic location: 11p11.2.
Variant type: single nucleotide variant.
Coding change: c.1907G>C on transcript NM_024741.3 (MANE Select); coding-DNA position 1907, G replaced by C.
Protein change: p.Ser636Thr; replaces serine 636 with threonine.
Molecular consequence: missense variant.
Genome position (GRCh38, 1-based): chr11:46,705,607, G>C. VCF-style: chr11-46705607-G-C. GRCh37 (hg19) VCF-style: chr11-46727157-G-C.
Other names: c.1883G>C, p.Ser628Thr (NM_001184751.2); short protein forms S636T, S628T.
Identifiers: ClinVar variation 2096212 (VCV002096212.4), dbSNP rs755215058, ClinGen allele CA5966670.

ClinVar aggregate classification (germline): Uncertain significance (1 of 4 stars; one submission).

Allele frequency attached by ClinVar (database versions not stated): ExAC 0.00001.

Submission:

Labcorp Genetics (formerly Invitae), Labcorp
Classification: Uncertain significance. Last evaluated: 2022-09-13. Review status: criteria provided, single submitter. Criteria: Invitae Variant Classification Sherloc (09022015). Collection method: clinical testing. Allele origin: germline.
Comment: This variant is present in population databases (rs755215058, gnomAD 0.003%). This variant has not been reported in the literature in individuals affected with ZNF408-related conditions. Algorithms developed to predict the effect of missense changes on protein structure and function output the following: SIFT: "Deleterious"; PolyPhen-2: "Benign"; Align-GVGD: "Class C0". The threonine amino acid residue is found in multiple mammalian species, which suggests that this missense change does not adversely affect protein function. This sequence change replaces serine, which is neutral and polar, with threonine, which is neutral and polar, at codon 636 of the ZNF408 protein (p.Ser636Thr). In summary, the available evidence is currently insufficient to determine the role of this variant in disease. Therefore, it has been classified as a Variant of Uncertain Significance.